The following is an entry in ClinVar:

NM_001322934.2(NFKB2):c.2032C>G (p.Leu678Val)

Gene: NFKB2 (nuclear factor kappa B subunit 2; plus strand). Cytogenetic location: 10q24.32.
Variant type: single nucleotide variant.
Coding change: c.2032C>G on transcript NM_001322934.2 (MANE Select); coding-DNA position 2032, C replaced by G.
Protein change: p.Leu678Val; replaces leucine 678 with valine.
Molecular consequence: missense variant.
Genome position (GRCh38, 1-based): chr10:102,401,010, C>G. VCF-style: chr10-102401010-C-G. GRCh37 (hg19) VCF-style: chr10-104160767-C-G.
Other names: c.2032C>G, p.Leu678Val (NM_001077494.3, NM_001261403.3, NM_001288724.1 and 1 more transcripts); c.1906C>G, p.Leu636Val (NM_001322935.1); short protein forms L636V, L678V.
Identifiers: ClinVar variation 4712877 (VCV004712877.1).

ClinVar aggregate classification (germline): Uncertain significance (1 of 4 stars; one submission).

Conditions:
Immunodeficiency, common variable, 10. Also called: DEFICIT IN ANTERIOR PITUITARY FUNCTION AND VARIABLE IMMUNODEFICIENCY; IMMUNODEFICIENCY, COMMON VARIABLE, WITH CENTRAL ADRENAL INSUFFICIENCY. Identifiers: MedGen C3809991, MONDO:0014260, OMIM 615577.

Submission:

Labcorp Genetics (formerly Invitae), Labcorp
Classification: Uncertain significance for Immunodeficiency, common variable, 10. Last evaluated: 2025-02-12. Review status: criteria provided, single submitter. Criteria: Invitae Variant Classification Sherloc (09022015). Collection method: clinical testing. Allele origin: germline.
Comment: This sequence change replaces leucine, which is neutral and non-polar, with valine, which is neutral and non-polar, at codon 678 of the NFKB2 protein (p.Leu678Val). This variant is not present in population databases (gnomAD no frequency). This variant has not been reported in the literature in individuals affected with NFKB2-related conditions. An algorithm developed to predict the effect of missense changes on protein structure and function (PolyPhen-2) suggests that this variant is likely to be tolerated. In summary, the available evidence is currently insufficient to determine the role of this variant in disease. Therefore, it has been classified as a Variant of Uncertain Significance.